The following is an entry in ClinVar:

ClinVar aggregate classification (germline): Likely benign (0 of 4 stars; one submission).

Conditions:
XIST-related disorder. Also called: XIST-related condition.

Allele frequency attached by ClinVar (database versions not stated): gnomAD exomes 0.00013; ExAC 0.00069; gnomAD 0.00076; TOPMed 0.00098; 1000 Genomes Project 0.00265; 1000 Genomes Project 30x 0.00291.
gnomAD v4.1: 138 of 522,762 alleles (0.026%); highest among the groups gnomAD compares: African/African-American, 0.26%; no homozygotes.

Submission:

PreventionGenetics, part of Exact Sciences
Classification: Likely benign for XIST-related condition. Last evaluated: 2022-11-11. Review status: no assertion criteria provided. Collection method: clinical testing. Allele origin: germline.
Comment: This variant is classified as likely benign based on ACMG/AMP sequence variant interpretation guidelines (Richards et al. 2015 PMID: 25741868, with internal and published modifications).

NR_001564.3(XIST):n.2809C>T

Gene: XIST (X inactive specific transcript; minus strand). Cytogenetic location: Xq13.2.
Variant type: single nucleotide variant.
Genome position: GRCh38 VCF-style: chrX-73849906-G-A. GRCh37 (hg19) VCF-style: chrX-73069741-G-A.
Identifiers: ClinVar variation 3055882 (VCV003055882.2), dbSNP rs757484028, ClinGen allele CA10453689.